The following continues an entry in ClinVar:

NM_000257.4(MYH7):c.2606G>A (p.Arg869His)

ClinVar aggregate classification (germline): Likely pathogenic. Likely pathogenic (1).

Submissions 6 to 13 of 24:

ARUP Laboratories, Molecular Genetics and Genomics, ARUP Laboratories
Classification: Likely pathogenic. Last evaluated: 2025-06-18. Review status: criteria provided, single submitter. Criteria: ARUP Molecular Germline Variant Investigation Process 2024. Collection method: clinical testing. Allele origin: germline. Not counted in ClinVar's aggregate classification.
Comment: The MYH7 c.2606G>A; p.Arg869His variant (rs202141173, ClinVar Variation ID: 177667) is reported in the literature in numerous individuals affected with hypertrophic cardiomyopathy (HCM; Adalsteinsdottir 2014, Bos 2014, Homburger 2016, McGurk 2023, Viswanathan 2017, Walsh 2017). Additionally, this variant was found to segregate with disease in two families; however, both families carried an additional disease causing variant in MYBPC3, individuals who harbored both variants had an earlier onset of disease and more severe phenotype (Girolami 2010). This variant is found in the general population with an overall allele frequency of 0.002% (6/251,440 alleles) in the Genome Aggregation Database (v2.1.1). Computational analyses are uncertain whether this variant is neutral or deleterious (REVEL: 0.675). Based on available information, this variant is considered to be likely pathogenic. References: Adalsteinsdottir B et al. Nationwide study on hypertrophic cardiomyopathy in Iceland: evidence of a MYBPC3 founder mutation. Circulation. 2014 Sep 30;130(14):1158-67. PMID: 25078086. Bos JM et al. Characterization of a phenotype-based genetic test prediction score for unrelated patients with hypertrophic cardiomyopathy. Mayo Clin Proc. 2014 Jun;89(6):727-37. PMID: 24793961. Girolami F et al. Clinical features and outcome of hypertrophic cardiomyopathy associated with triple sarcomere protein gene mutations. J Am Coll Cardiol. 2010 Apr 6;55(14):1444-53. PMID: 20359594. Homburger JR et al. Multidimensional structure-function relationships in human ÃŸ-cardiac myosin from population-scale genetic variation. Proc Natl Acad Sci U S A. 2016 Jun 14;113(24):6701-6. PMID: 27247418. McGurk KA et al. The penetrance of rare variants in cardiomyopathy-associated genes: A cross-sectional approach to estimating penetrance for secondary findings. Am J Hum Genet. 2023 Sep 7;110(9):1482-1495. PMID: 37652022. Viswanathan SK et al. Hypertrophic cardiomyopathy clinical phenotype is independent of gene mutation and mutation dosage. PLoS One. 2017 Nov 9;12(11):e0187948. PMID: 29121657. Walsh R et al. Reassessment of Mendelian gene pathogenicity using 7,855 cardiomyopathy cases and 60,706 reference samples. Genet Med. 2017 Feb;19(2):192-203. PMID: 27532257.

Variantyx, Inc.
Classification: Likely pathogenic for Hypertrophic cardiomyopathy 1. Last evaluated: 2025-06-13. Review status: criteria provided, single submitter. Criteria: Variantyx Assertion Criteria 2022. Collection method: clinical testing. Allele origin: germline. Inheritance: Autosomal dominant inheritance. Affected: yes. Not counted in ClinVar's aggregate classification.
Comment: This is a nonsynonymous variant in the MYH7 gene (OMIM: 160760). Pathogenic variants in this gene have been associated with autosomal dominant Hypertrophic Cardiomyopathy 1. This variant has been reported in several unrelated affected individuals (PMID: 30297972, 2753225, 29121657, 27247418, 25078086, 25524337, 24793961, 24093860, 23674513, 20359594, 18533079, 17180650, 16858239, 15358028) (PS4 and it has been observed to segregate with disease in at least three individuals from one family (PMID: 20359594) (PP1). This variant lies within a known hotspot for pathogenic variants or a well-established critical functional domain of the MYH7 protein (PMID: 29300372) (PM1). This variant has a 0.0133% maximum allele frequency in non-founder control populations (PM2). Computational algorithms produce conflicting evidence regarding the predicted functional impact of this variant (REVEL score: 0.675). Based on the current evidence, this variant is classified as likely pathogenic for autosomal dominant Hypertrophic Cardiomyopathy 1.

Color Diagnostics, LLC DBA Color Health
Classification: Likely pathogenic for Cardiomyopathy. Last evaluated: 2025-06-11. Review status: criteria provided, single submitter. Criteria: ACMG Guidelines, 2015. Collection method: clinical testing. Allele origin: germline. Not counted in ClinVar's aggregate classification.
Comment: This missense variant replaces arginine with histidine at codon 869 in the neck and hinge (S2) domain of the MYH7 protein. Computational prediction tool is inconclusive regarding the impact of this variant on protein structure and function. This variant is found within a highly conserved region of the myosin head domain. Missense variants in this region have been shown to be significantly overrepresented in individuals with hypertrophic cardiomyopathy (PMID: 27532257). To our knowledge, functional studies have not been reported for this variant. This variant has been reported in over 40 individuals affected with hypertrophic cardiomyopathy (PMID: 15358028, 16858239, 18533079, 20359594, 23674513, 24093860, 24793961, 25078086, 27532257, 29121657, 30297972). Several of these individuals also carried pathogenic variants in the MYBPC3 and TNNI3 genes (PMID: 18533079, 20359594). In a study of a large cohort of individuals affected with hypertrophic cardiomyopathy, this variant was observed in 42 individuals out of a total of 4591 affected individuals (PMID: 30297972). It has been shown that this variant segregates with disease in several affected individuals across two families (PMID: 20359594ClinVar SCV001976466.1). This variant has also been reported in an individual affected with dilated cardiomyopathy (PMID: 36203036). This variant has been identified in 6/251440 chromosomes in the general population by the Genome Aggregation Database (gnomAD). A different variant affecting the same codon, p.Arg869Cys, is considered to be disease-causing (ClinVar variation ID: 181196), suggesting that arginine at this position is important for MYH7 protein function. Based on the available evidence, this variant is classified as Likely Pathogenic.

3billion
Classification: Likely pathogenic for Hypertrophic cardiomyopathy 1. Last evaluated: 2025-05-26. Review status: criteria provided, single submitter. Criteria: ACMG Guidelines, 2015. Collection method: clinical testing. Allele origin: germline. Affected: yes. Not counted in ClinVar's aggregate classification.
Comment: The variant is observed at an extremely low frequency in the gnomAD v4.1.0 dataset (total allele frequency: 0.002%). Predicted Consequence/Location: The variant is located in a mutational hot spot and/or well-established functional domain in which established pathogenic variants have been reported (PMID: 29300372). In silico tool predictions suggest damaging effect of the variant on gene or gene product [REVEL: 0.68 (>=0.6, sensitivity 0.68 and specificity 0.92); 3Cnet: 0.99 (> 0.75, sensitivity 0.96 and precision 0.92)]. The same nucleotide change resulting in the same amino acid change has been previously reported as pathogenic/likely pathogenic with strong evidence (ClinVar ID: VCV000177667). Different missense changes at the same codon (p.Arg869Cys, p.Arg869Gly, p.Arg869Pro) have been reported as pathogenic/likely pathogenic with strong evidence (ClinVar ID: VCV000181196, VCV001929447 /PMID: 10862102, 10900182, 32380161 /3billion dataset). Therefore, this variant is classified as Likely pathogenic according to the recommendation of ACMG/AMP guideline.

Molecular Diagnostic Laboratory for Inherited Cardiovascular Disease, Montreal Heart Institute
Classification: Pathogenic for Cardiovascular phenotype. Last evaluated: 2025-01-23. Review status: criteria provided, single submitter. Criteria: ACMG Guidelines, 2015. Collection method: clinical testing. Allele origin: germline. Affected: yes. Not counted in ClinVar's aggregate classification.
Comment: PS4;PM1;PM2;PM5

All of Us Research Program, National Institutes of Health
Classification: Likely pathogenic for Hypertrophic cardiomyopathy. Last evaluated: 2024-09-13. Review status: criteria provided, single submitter. Criteria: ACMG Guidelines, 2015. Collection method: clinical testing. Allele origin: germline. Inheritance: Autosomal dominant inheritance. Observed: 6 variant alleles, 6 heterozygotes. Not counted in ClinVar's aggregate classification.
Comment: This missense variant replaces arginine with histidine at codon 869 in the neck and hinge (S2) domain of the MYH7 protein. Computational prediction is inconclusive regarding the impact of this variant on protein structure and function. This variant is found within a highly conserved region of the myosin head domain. Missense variants in this region have been shown to be significantly overrepresented in individuals with hypertrophic cardiomyopathy (PMID: 27532257). To our knowledge, functional studies have not been reported for this variant. This variant has been reported in over 40 individuals affected with hypertrophic cardiomyopathy (PMID: 15358028, 16858239, 18533079, 20359594, 23674513, 24093860, 24793961, 25078086, 27532257, 29121657, 30297972). Several of these individuals also carried pathogenic variants in the MYBPC3 and TNNI3 genes (PMID: 18533079, 20359594). In a study of a large cohort of individuals affected with hypertrophic cardiomyopathy, this variant was observed in 42 individuals out of a total of 4591 affected individuals (PMID: 30297972). It has been shown that this variant segregates with disease in several affected individuals across two families (PMID: 20359594; ClinVar SCV001976466.1). This variant has also been reported in an individual affected with dilated cardiomyopathy (PMID: 36203036). This variant has been identified in 6/251440 chromosomes in the general population by the Genome Aggregation Database (gnomAD). A different variant affecting the same codon, p.Arg869Cys, is considered to be disease-causing (ClinVar variation ID: 181196), suggesting that arginine at this position is important for MYH7 protein function. Based on the available evidence, this variant is classified as Likely Pathogenic.

This study involves interpretation of variants in research participants for the purpose of population health screening. Participant phenotype was not available at the time of variant classification. Additional details can be found in publication PMID: 35346344, PMCID: PMC8962531

Blueprint Genetics
Classification: Likely pathogenic for MYH7-related disorders. Last evaluated: 2024-05-06. Review status: criteria provided, single submitter. Criteria: ACMG Guidelines, 2015. Collection method: clinical testing. Allele origin: germline. Affected: yes. Observed: 5 variant alleles. Not counted in ClinVar's aggregate classification.

CHEO Genetics Diagnostic Laboratory, Children's Hospital of Eastern Ontario
Classification: Likely pathogenic for Cardiomyopathy. Last evaluated: 2022-03-28. Review status: criteria provided, single submitter. Criteria: ACMG Guidelines, 2015. Collection method: clinical testing. Allele origin: germline. Not counted in ClinVar's aggregate classification.